The following is an entry in ClinVar:

NM_000061.3(BTK):c.62C>A (p.Ser21Ter)

Gene: BTK (Bruton tyrosine kinase; minus strand). Cytogenetic location: Xq22.1.
Variant type: single nucleotide variant.
Coding change: c.62C>A on transcript NM_000061.3 (MANE Select); coding-DNA position 62, C replaced by A.
Protein change: p.Ser21Ter; replaces serine 21 with a stop codon.
Molecular consequence: nonsense.
Genome position (GRCh38, 1-based): chrX:101,375,223, G>T on the plus strand (C>A on the coding strand, the complement: BTK is on the minus strand). VCF-style: chrX-101375223-G-T. GRCh37 (hg19) VCF-style: chrX-100630211-G-T.
Other names: c.164C>A, p.Ser55Ter (NM_001287344.2); c.62C>A, p.Ser21Ter (NM_001287345.2); short protein forms S21*, S55*.
Identifiers: ClinVar variation 1069599 (VCV001069599.9), dbSNP rs2147448284, ClinGen allele CA413939630.
Genomic context (GRCh38, chrX:101,375,223, plus strand): 5'-TCATAGTAGGAGAGTTTGTGCACGGTCAAGAGAAACAGGCGCTTCTTGAAGTTTAGAGGT[G>T]ATGTTTTCTTTTTCTGTTGGGATCGCTTCAGAAAGATGCTCTCCAGAATCACTGCGGCCA-3'

ClinVar aggregate classification (germline): Pathogenic (1 of 4 stars; one submission).

Conditions:
X-linked agammaglobulinemia with growth hormone deficiency (IGHD3). Also called: FLEISHER SYNDROME; HYPOGAMMAGLOBULINEMIA AND ISOLATED GROWTH HORMONE DEFICIENCY, X-LINKED; IGHD III; Isolated growth hormone deficiency type 3; Growth hormone deficiency with hypogammaglobulinemia; ISOLATED GROWTH HORMONE DEFICIENCY, TYPE III, WITH AGAMMAGLOBULINEMIA. Identifiers: Orphanet 231692, Orphanet 631, MedGen C0472813, MONDO:0010615, OMIM 307200.

Submission:

Labcorp Genetics (formerly Invitae), Labcorp
Classification: Pathogenic for X-linked agammaglobulinemia with growth hormone deficiency. Last evaluated: 2024-12-06. Review status: criteria provided, single submitter. Criteria: Invitae Variant Classification Sherloc (09022015). Collection method: clinical testing. Allele origin: germline.
Comment: This sequence change creates a premature translational stop signal (p.Ser21*) in the BTK gene. It is expected to result in an absent or disrupted protein product. Loss-of-function variants in BTK are known to be pathogenic (PMID: 15661032, 16862044, 19419768). This variant is not present in population databases (gnomAD no frequency). This premature translational stop signal has been observed in individual(s) with X-linked agammaglobulinemia (PMID: 9545398). ClinVar contains an entry for this variant (Variation ID: 1069599). For these reasons, this variant has been classified as Pathogenic.

Literature cited by the submitters: PubMed 15661032; PubMed 16862044; PubMed 19419768; PubMed 9545398.